The following is an entry in ClinVar:

ClinVar aggregate classification (germline): Uncertain significance (1 of 4 stars; one submission).

Submission:

GeneDx
Classification: Uncertain significance. Last evaluated: 2024-12-06. Review status: criteria provided, single submitter. Criteria: GeneDx Variant Classification Process June 2021. Collection method: clinical testing. Allele origin: germline. Affected: yes.
Comment: Not observed at significant frequency in large population cohorts (gnomAD); In silico analysis supports that this missense variant has a deleterious effect on protein structure/function; Has not been previously published as pathogenic or benign to our knowledge

NM_001690.4(ATP6V1A):c.781C>G (p.Gln261Glu)

Gene: ATP6V1A (ATPase H+ transporting V1 subunit A; plus strand). Cytogenetic location: 3q13.31.
Variant type: single nucleotide variant.
Coding change: c.781C>G on transcript NM_001690.4 (MANE Select); coding-DNA position 781, C replaced by G.
Protein change: p.Gln261Glu; replaces glutamine 261 with glutamic acid.
Molecular consequence: missense variant.
Genome position (GRCh38, 1-based): chr3:113,788,777, C>G. VCF-style: chr3-113788777-C-G. GRCh37 (hg19) VCF-style: chr3-113507624-C-G.
Other names: short protein forms Q261E.
Identifiers: ClinVar variation 3901423 (VCV003901423.1).